The following is an entry in ClinVar:

ClinVar aggregate classification (germline): Uncertain significance (1 of 4 stars; one submission).

Allele frequency attached by ClinVar (database versions not stated): gnomAD exomes below 0.00001.
gnomAD v4.1: 15 of 1,613,806 alleles (0.00093%); highest among the groups gnomAD compares: African/African-American, 0.0067%; no homozygotes.

Submission:

Labcorp Genetics (formerly Invitae), Labcorp
Classification: Uncertain significance. Last evaluated: 2025-08-21. Review status: criteria provided, single submitter. Criteria: Invitae Variant Classification Sherloc (09022015). Collection method: clinical testing. Allele origin: germline.
Comment: This sequence change falls in intron 4 of the PRPF8 gene. It does not directly change the encoded amino acid sequence of the PRPF8 protein. It affects a nucleotide within the consensus splice site. This variant is present in population databases (rs112242959, gnomAD 0.007%). This variant has not been reported in the literature in individuals affected with PRPF8-related conditions. ClinVar contains an entry for this variant (Variation ID: 1501798). Variants that disrupt the consensus splice site are a relatively common cause of aberrant splicing (PMID: 17576681, 9536098). Algorithms developed to predict the effect of sequence changes on RNA splicing suggest that this variant is not likely to affect RNA splicing. In summary, the available evidence is currently insufficient to determine the role of this variant in disease. Therefore, it has been classified as a Variant of Uncertain Significance.

Literature cited by the submitters: PubMed 17576681; PubMed 9536098.

NM_006445.4(PRPF8):c.435-3C>T

Gene: PRPF8 (pre-mRNA processing factor 8; minus strand). Cytogenetic location: 17p13.3.
Variant type: single nucleotide variant.
Coding change: c.435-3C>T on transcript NM_006445.4 (MANE Select); 3 bases into the intron before coding-DNA position 435, C replaced by T.
Molecular consequence: intron variant.
Genome position (GRCh38, 1-based): chr17:1,682,041, G>A on the plus strand (C>T on the coding strand, the complement: PRPF8 is on the minus strand). VCF-style: chr17-1682041-G-A. GRCh37 (hg19) VCF-style: chr17-1585335-G-A.
Identifiers: ClinVar variation 1501798 (VCV001501798.6), dbSNP rs112242959, ClinGen allele CA286816832.